The following is an entry in ClinVar:

ClinVar aggregate classification (germline): Uncertain significance (1 of 4 stars; one submission).

Conditions:
Inborn genetic diseases. Identifiers: MedGen C0950123, MeSH D030342.

gnomAD v4.1: 1 of 1,613,958 alleles (0.000062%); highest among the groups gnomAD compares: Non-Finnish European, 0.000085%; no homozygotes.

Submission:

Ambry Genetics
Classification: Uncertain significance for Inborn genetic diseases. Last evaluated: 2025-03-26. Review status: criteria provided, single submitter. Criteria: Ambry Variant Classification Scheme 2023. Collection method: clinical testing. Allele origin: germline.
Comment: The p.I221V variant (also known as c.661A>G), located in coding exon 7 of the RTEL1 gene, results from an A to G substitution at nucleotide position 661. The isoleucine at codon 221 is replaced by valine, an amino acid with highly similar properties. This amino acid position is conserved. In addition, this alteration is predicted to be tolerated by in silico analysis. Based on the available evidence, the clinical significance of this variant remains unclear.

NM_001283009.2(RTEL1):c.661A>G (p.Ile221Val)

Genes: RTEL1 (regulator of telomere elongation helicase 1; plus strand), RTEL1-TNFRSF6B (RTEL1-TNFRSF6B readthrough (NMD candidate); plus strand). Cytogenetic location: 20q13.33.
Variant type: single nucleotide variant.
Coding change: c.661A>G on transcript NM_001283009.2 (MANE Select); coding-DNA position 661, A replaced by G.
Protein change: p.Ile221Val; replaces isoleucine 221 with valine.
Molecular consequence: missense variant. On other transcripts: non-coding transcript variant (1), 5 prime UTR variant (1).
Genome position (GRCh38, 1-based): chr20:63,667,515, A>G. VCF-style: chr20-63667515-A-G. GRCh37 (hg19) VCF-style: chr20-62298868-A-G.
Other names: c.-9A>G (NM_001283010.1); c.661A>G, p.Ile221Val (NM_016434.4); c.733A>G, p.Ile245Val (NM_032957.5); short protein forms I221V, I245V.
Identifiers: ClinVar variation 3948254 (VCV003948254.1).